The following is an entry in ClinVar:

ClinVar aggregate classification (germline): Conflicting classifications of pathogenicity. Review status: criteria provided, conflicting classifications (1 of 4 stars). 9 submissions from 9 submitters: Uncertain significance (6); Benign (1); Likely benign (2). Last evaluated 2026-03-19.

Conditions:
COL5A1-related disorder. Also called: COL5A1-related condition.
Cardiovascular phenotype. Identifiers: MedGen CN230736.
Ehlers-Danlos syndrome, classic type, 1 (EDSCL1). Also called: Ehlers-Danlos syndrome, type 1; Ehlers-Danlos Syndrome, Classic Type, COL5A1-Related; EDS I; EHLERS-DANLOS SYNDROME, GRAVIS TYPE; EHLERS-DANLOS SYNDROME, SEVERE CLASSIC TYPE. Identifiers: MedGen C0268335, MONDO:0019567, OMIM 130000.
Familial thoracic aortic aneurysm and aortic dissection (TAAD). Also called: Thoracic aortic aneurysms and dissections. Identifiers: Orphanet 91387, MedGen C4707243, MONDO:0019625.

Allele frequency attached by ClinVar (database versions not stated): ExAC 0.00002; TOPMed 0.00006; ESP Exome Variant Server 0.00008; gnomAD 0.00002; gnomAD exomes 0.00002 and 0.00005.
gnomAD v4.1: 77 of 1,613,648 alleles (0.0048%); highest among the groups gnomAD compares: South Asian, 0.0077%; no homozygotes.

Submissions (9):

Ambry Genetics
Classification: Uncertain significance for Familial thoracic aortic aneurysm and aortic dissection. Last evaluated: 2026-03-19. Review status: criteria provided, single submitter. Criteria: Ambry Variant Classification Scheme 2023. Collection method: clinical testing. Allele origin: germline.

PreventionGenetics, part of Exact Sciences
Classification: Uncertain significance for COL5A1-related condition. Last evaluated: 2026-01-27. Review status: criteria provided, single submitter. Criteria: ACMG Guidelines, 2015. Collection method: clinical testing. Allele origin: germline.
Comment: The COL5A1 c.2750C>T variant is predicted to result in the amino acid substitution p.Pro917Leu. To our knowledge, this variant has not been reported in the literature. This variant is reported in 0.0035% of alleles in individuals of European (Non-Finnish) descent in gnomAD. At this time, the clinical significance of this variant is uncertain due to the absence of conclusive functional and genetic evidence.

Labcorp Genetics (formerly Invitae), Labcorp
Classification: Benign for Ehlers-Danlos syndrome, classic type, 1. Last evaluated: 2026-01-18. Review status: criteria provided, single submitter. Criteria: Invitae Variant Classification Sherloc (09022015). Collection method: clinical testing. Allele origin: germline.

Women's Health and Genetics/Laboratory Corporation of America, LabCorp
Classification: Likely benign. Last evaluated: 2025-06-16. Review status: criteria provided, single submitter. Criteria: LabCorp Variant Classification Summary - May 2015. Collection method: clinical testing. Allele origin: germline.
Comment: Variant summary: COL5A1 c.2750C>T (p.Pro917Leu) results in a non-conservative amino acid change in the encoded protein sequence. Algorithms developed to predict the effect of missense changes on protein structure and function all suggest that this variant is likely to be disruptive. The variant allele was found at a frequency of 4.8e-05 in 1606654 control chromosomes, predominantly at a frequency of 5.6e-05 within the Non-Finnish European subpopulation in the gnomAD database. The observed variant frequency within Non-Finnish European control individuals in the gnomAD database is approximately 1.8-fold of the estimated maximal expected allele frequency for a pathogenic variant in COL5A1 causing Ehlers-Danlos syndrome, classic type, Ehlers-Danlos syndrome, classic type, 1 phenotype (3.1e-05). To our knowledge, no occurrence of c.2750C>T in individuals affected with Ehlers-Danlos syndrome, classic type, Ehlers-Danlos syndrome, classic type, 1 and no experimental evidence demonstrating its impact on protein function have been reported. ClinVar contains an entry for this variant (Variation ID: 212951). Based on the evidence outlined above, the variant was classified as likely benign.

Molecular Diagnostic Laboratory for Inherited Cardiovascular Disease, Montreal Heart Institute
Classification: Uncertain significance for Cardiovascular phenotype. Last evaluated: 2025-04-09. Review status: criteria provided, single submitter. Criteria: ACMG Guidelines, 2015. Collection method: clinical testing. Allele origin: germline. Affected: yes.
Comment: PP3

Mayo Clinic Laboratories, Mayo Clinic
Classification: Uncertain significance. Last evaluated: 2025-01-20. Review status: criteria provided, single submitter. Criteria: ACMG Guidelines, 2015. Collection method: clinical testing. Allele origin: germline. Observed: 2 variant alleles.
Comment: the same text as in the submission from Molecular Diagnostic Laboratory for Inherited Cardiovascular Disease, Montreal Heart Institute above.

Genomic Medicine Center of Excellence, King Faisal Specialist Hospital and Research Centre
Classification: Likely benign for Ehlers-Danlos syndrome, classic type, 1. Last evaluated: 2024-10-13. Review status: criteria provided, single submitter. Criteria: ACMG Guidelines, 2015. Collection method: clinical testing. Allele origin: germline.
Comment: This variant (GRCh38; NM_001278074.1:c.2750C>T:p.Pro917Leu) results in a missense mutation with the conversion of Proline (Basic amino acid) to Leucine (Basic amino acid) in the COL5A1 protein. Observed in healthy adults individual for a dominant disorder Missense variant in a gene for which primarily truncating variants are known to cause disease. Lack of segregation in affected family members (internal) A literature search was performed for the gene and associated variants. Based on this search no publications were found. In summary, this variant meets our criteria for classification as Benign based on the evidence outlined.

ARUP Laboratories, Molecular Genetics and Genomics, ARUP Laboratories
Classification: Uncertain significance. Last evaluated: 2021-02-25. Review status: criteria provided, single submitter. Criteria: ARUP Molecular Germline Variant Investigation Process 2021. Collection method: clinical testing. Allele origin: germline.
Comment: The COL5A1 c.2750C>T; p.Pro917Leu variant (rs375600865), to our knowledge, is not reported in the medical literature but is reported in ClinVar (Variation ID: 212951). This variant is found in the general population with an overall allele frequency of 0.002% (5/251216 alleles) in the Genome Aggregation Database. The proline at codon 917 is highly conserved, but computational analyses are uncertain whether this variant is neutral or deleterious (REVEL: 0.682). However, given the lack of clinical and functional data, the significance of the p.Pro917Leu variant is uncertain at this time.

GeneDx
Classification: Uncertain significance. Last evaluated: 2020-09-25. Review status: criteria provided, single submitter. Criteria: GeneDx Variant Classification Process June 2021. Collection method: clinical testing. Allele origin: germline. Affected: yes.
Comment: Has not been previously published as pathogenic or benign to our knowledge; Not observed at a significant frequency in large population cohorts (Lek et al., 2016); In silico analysis supports that this missense variant has a deleterious effect on protein structure/function; Occurs in the triple helical domain at the X position in the canonical Gly-X-Y repeat; although this variant may have an effect on normal protein folding and function, missense substitution at the X position is not a common mechanism of disease (Symoens et al., 2012; Stenson et al., 2014); Reported in ClinVar as a variant of uncertain significance (ClinVar Variant ID# 212951; Landrum et al., 2016)

NM_000093.5(COL5A1):c.2750C>T (p.Pro917Leu)

Gene: COL5A1 (collagen type V alpha 1 chain; plus strand). Cytogenetic location: 9q34.3.
Variant type: single nucleotide variant.
Coding change: c.2750C>T on transcript NM_000093.5 (MANE Select); coding-DNA position 2750, C replaced by T.
Protein change: p.Pro917Leu; replaces proline 917 with leucine.
Molecular consequence: missense variant.
Genome position (GRCh38, 1-based): chr9:134,795,266, C>T. VCF-style: chr9-134795266-C-T. GRCh37 (hg19) VCF-style: chr9-137687112-C-T.
Other names: p.P917L:CCG>CTG; p.Pro917Leu; c.2750C>T, p.Pro917Leu (NM_001278074.1); short protein forms P917L.
Identifiers: ClinVar variation 212951 (VCV000212951.27), dbSNP rs375600865, ClinGen allele CA320321.